The following is an entry in ClinVar:

NM_002303.6(LEPR):c.1063A>G (p.Lys355Glu)

Gene: LEPR (leptin receptor; plus strand). Cytogenetic location: 1p31.3.
Variant type: single nucleotide variant.
Coding change: c.1063A>G on transcript NM_002303.6 (MANE Select); coding-DNA position 1063, A replaced by G.
Protein change: p.Lys355Glu; replaces lysine 355 with glutamic acid.
Molecular consequence: missense variant.
Genome position (GRCh38, 1-based): chr1:65,601,460, A>G. VCF-style: chr1-65601460-A-G. GRCh37 (hg19) VCF-style: chr1-66067143-A-G.
Other names: c.1063A>G, p.Lys355Glu (NM_001003679.3, NM_001003680.3, NM_001198687.2 and 2 more transcripts); short protein forms K355E.
Identifiers: ClinVar variation 2636683 (VCV002636683.5), dbSNP rs146493429, ClinGen allele CA894723.
Genomic context (GRCh38, chr1:65,601,460, plus strand): 5'-TACTTTCCACCTAAAATTCTGACAAGTGTTGGGTCTAATGTTTCTTTTCACTGCATCTAT[A>G]AGAAGGAAAACAAGATTGTTCCCTCAAAAGAGATTGTTTGGTGGATGAATTTAGCTGAGA-3'
Protein context (NP_002294.2, residues 345-365): GSNVSFHCIY[Lys355Glu]KENKIVPSKE

ClinVar aggregate classification (germline): Uncertain significance. Review status: criteria provided, multiple submitters, no conflicts (2 of 4 stars). 2 submissions from 2 submitters: Uncertain significance (2). Last evaluated 2026-09-16.

Conditions:
LEPR-related disorder. Also called: LEPR-related condition; LEPR-related disorders.
Inborn genetic diseases. Identifiers: MedGen C0950123, MeSH D030342.

Allele frequency attached by ClinVar (database versions not stated): gnomAD 0.00006; TOPMed 0.00007; ESP Exome Variant Server 0.00015; gnomAD exomes 0.00001; ExAC 0.00002.
gnomAD v4.1: 21 of 1,613,566 alleles (0.0013%); highest among the groups gnomAD compares: African/African-American, 0.025%; no homozygotes.

Submissions (2):

PreventionGenetics, part of Exact Sciences
Classification: Uncertain significance for LEPR-related condition. Last evaluated: 2026-09-16. Review status: criteria provided, single submitter. Criteria: ACMG Guidelines, 2015. Collection method: clinical testing. Allele origin: germline.
Comment: The LEPR c.1063A>G variant is predicted to result in the amino acid substitution p.Lys355Glu. This variant was observed in a cohort of individuals with obesity, and in vitro functional studies showed function similar to wild-type levels (Supplemental Data Set, Shah et al. 2023. PubMed ID: 36864747). This variant is reported in 0.036% of alleles in individuals of African descent in gnomAD. At this time, the clinical significance of this variant is uncertain due to the absence of conclusive functional and genetic evidence.

Ambry Genetics
Classification: Uncertain significance for Inborn genetic diseases. Last evaluated: 2024-01-16. Review status: criteria provided, single submitter. Criteria: Ambry Variant Classification Scheme 2023. Collection method: clinical testing. Allele origin: germline.